The following is an entry in ClinVar:

NM_000548.5(TSC2):c.3398-12C>T

Gene: TSC2 (TSC complex subunit 2; plus strand). Cytogenetic location: 16p13.3.
Variant type: single nucleotide variant.
Coding change: c.3398-12C>T on transcript NM_000548.5 (MANE Select); 12 bases into the intron before coding-DNA position 3398, C replaced by T.
Molecular consequence: intron variant.
Genome position (GRCh38, 1-based): chr16:2,080,153, C>T. VCF-style: chr16-2080153-C-T. GRCh37 (hg19) VCF-style: chr16-2130154-C-T.
Other names: c.3398-12C>T (NM_001114382.3); c.3269-12C>T (NM_021055.3, NM_001370405.1, NM_001363528.2); c.3266-12C>T (NM_001370404.1, NM_001077183.3); c.3158-12C>T (NM_001318827.2); c.2666-12C>T (NM_001318831.2); c.3122-12C>T (NM_001318829.2); c.3299-12C>T (NM_001318832.2).
Identifiers: ClinVar variation 1459646 (VCV001459646.9), dbSNP rs2151455240, ClinGen allele CA2573151677.
Genomic context (GRCh38, chr16:2,080,153, plus strand): 5'-AGCATTCAGCTTGAGGCTGGTGGTTTTGCATCAGGTAAGTGGTGGTCACCAGTCCTCTGC[C>T]CTCTTCTTCAGGGGGCCATGGTCTTCGAGTTGGCGCCCTGGACGTGCCGGCCTCCCAGTT-3'

ClinVar aggregate classification (germline): Likely benign. Review status: criteria provided, multiple submitters, no conflicts (2 of 4 stars). 2 submissions from 2 submitters: Likely benign (2). Last evaluated 2025-12-09.

Conditions:
Tuberous sclerosis 2 (TSC2). Identifiers: Orphanet 805, MedGen C1860707, MONDO:0013199, OMIM 613254.

gnomAD v4.1: 4 of 1,612,856 alleles (0.00025%); highest among the groups gnomAD compares: Non-Finnish European, 0.00034%; no homozygotes.

Submissions (2):

Labcorp Genetics (formerly Invitae), Labcorp
Classification: Likely benign for Tuberous sclerosis 2. Last evaluated: 2025-12-09. Review status: criteria provided, single submitter. Criteria: Invitae Variant Classification Sherloc (09022015). Collection method: clinical testing. Allele origin: germline.

Myriad Genetics, Inc.
Classification: Likely benign for Tuberous sclerosis 2. Last evaluated: 2025-05-29. Review status: criteria provided, single submitter. Criteria: Myriad Autosomal Dominant, Autosomal Recessive and X-Linked Classification Criteria (2023). Collection method: clinical testing. Allele origin: unknown.
Comment: This variant is considered likely benign. This variant is intronic and is not expected to impact mRNA splicing.